The following is an entry in ClinVar:

NM_007294.4(BRCA1):c.2047A>G (p.Lys683Glu)

Gene: BRCA1 (BRCA1 DNA repair associated; minus strand). Cytogenetic location: 17q21.31.
Variant type: single nucleotide variant.
Coding change: c.2047A>G on transcript NM_007294.4 (MANE Select); coding-DNA position 2047, A replaced by G.
Protein change: p.Lys683Glu; replaces lysine 683 with glutamic acid.
Molecular consequence: missense variant. On other transcripts: intron variant (137).
Genome position (GRCh38, 1-based): chr17:43,093,484, T>C on the plus strand (A>G on the coding strand, the complement: BRCA1 is on the minus strand). VCF-style: chr17-43093484-T-C. GRCh37 (hg19) VCF-style: chr17-41245501-T-C.
Other names: c.1906A>G, p.Lys636Glu (NM_001407942.1, NM_007297.4, NM_001407692.1 and 29 more transcripts); c.1924A>G, p.Lys642Glu (NM_001407937.1, NM_001407939.1, NM_001407938.1 and 19 more transcripts); c.1921A>G, p.Lys641Glu (NM_001407940.1, NM_001407941.1, NM_001407649.1 and 11 more transcripts); c.1834A>G, p.Lys612Glu (NM_001407571.1, NM_001407853.1, NM_001407894.1 and 9 more transcripts); c.2047A>G, p.Lys683Glu (NM_001407581.1, NM_001407582.1, NM_001407583.1 and 30 more transcripts); c.2044A>G, p.Lys682Glu (NM_001407587.1, NM_001407590.1, NM_001407591.1 and 22 more transcripts); c.2038A>G, p.Lys680Glu (NM_001407646.1, NM_001407647.1); c.1969A>G, p.Lys657Glu (NM_001407653.1, NM_001407654.1, NM_001407655.1 and 4 more transcripts); and 40 more; short protein forms K594E, K642E, K656E, K682E, K555E, K595E, K613E, K615E.
Identifiers: ClinVar variation 1784986 (VCV001784986.4), dbSNP rs2154402184, ClinGen allele CA10597911.

ClinVar aggregate classification (germline): Conflicting classifications of pathogenicity. Review status: criteria provided, conflicting classifications (1 of 4 stars). 2 submissions from 2 submitters: Uncertain significance (1); Likely benign (1). Last evaluated 2023-03-23.

Conditions:
Hereditary cancer-predisposing syndrome. Also called: Neoplastic Syndromes, Hereditary; Tumor predisposition; Hereditary Cancer Syndrome; Hereditary neoplastic syndrome. Identifiers: Orphanet 140162, MedGen C0027672, MeSH D009386, MONDO:0015356.

Submissions (2):

University of Washington Department of Laboratory Medicine, University of Washington
Classification: Likely benign for Hereditary cancer-predisposing syndrome. Last evaluated: 2023-03-23. Review status: criteria provided, single submitter. Criteria: Dines et al. (Genet Med. 2020). Collection method: curation. Allele origin: germline.
Comment: Missense variant in a coldspot region where missense variants are very unlikely to be pathogenic (PMID:31911673).

BRCA1 coldspot (exon 11 using historical exon numbering). Reclassification based on statistical prior probability

Ambry Genetics
Classification: Uncertain significance for Hereditary cancer-predisposing syndrome. Last evaluated: 2022-06-04. Review status: criteria provided, single submitter. Criteria: Ambry Variant Classification Scheme 2023. Collection method: clinical testing. Allele origin: germline.
Comment: The p.K683E variant (also known as c.2047A>G), located in coding exon 9 of the BRCA1 gene, results from an A to G substitution at nucleotide position 2047. The lysine at codon 683 is replaced by glutamic acid, an amino acid with similar properties. This amino acid position is conserved. In addition, the in silico prediction for this alteration is inconclusive. Since supporting evidence is limited at this time, the clinical significance of this alteration remains unclear.